The following is an entry in ClinVar:

NM_001329943.3(KIAA0586):c.382G>C (p.Asp128His)

Gene: KIAA0586 (KIAA0586; plus strand). Cytogenetic location: 14q23.1.
Variant type: single nucleotide variant.
Coding change: c.382G>C on transcript NM_001329943.3 (MANE Select); coding-DNA position 382, G replaced by C.
Protein change: p.Asp128His; replaces aspartic acid 128 with histidine.
Molecular consequence: missense variant.
Genome position (GRCh38, 1-based): chr14:58,432,429, G>C. VCF-style: chr14-58432429-G-C. GRCh37 (hg19) VCF-style: chr14-58899147-G-C.
Other names: c.418G>C, p.Asp140His (NM_001244189.2); c.337G>C, p.Asp113His (NM_001244190.2); c.127G>C, p.Asp43His (NM_001244191.2, NM_001244192.2, NM_001329945.2 and 2 more transcripts); c.382G>C, p.Asp128His (NM_001329944.2, NM_001329946.2, NM_001329947.2 and 1 more transcripts); short protein forms D113H, D128H, D140H, D43H.
Identifiers: ClinVar variation 1804628 (VCV001804628.1), dbSNP rs2542529456, ClinGen allele CA389859967.

ClinVar aggregate classification (germline): Uncertain significance (1 of 4 stars; one submission).

Submission:

GeneDx
Classification: Uncertain significance. Last evaluated: 2022-06-13. Review status: criteria provided, single submitter. Criteria: GeneDx Variant Classification Process June 2021. Collection method: clinical testing. Allele origin: germline. Affected: yes.
Comment: Not observed at significant frequency in large population cohorts (gnomAD); In silico analysis supports that this missense variant has a deleterious effect on protein structure/function; Has not been previously published as pathogenic or benign to our knowledge